The following is an entry in ClinVar:

NM_177438.3(DICER1):c.4009G>A (p.Asp1337Asn)

Gene: DICER1 (dicer 1, ribonuclease III; minus strand). Cytogenetic location: 14q32.13.
Variant type: single nucleotide variant.
Coding change: c.4009G>A on transcript NM_177438.3 (MANE Select); coding-DNA position 4009, G replaced by A.
Protein change: p.Asp1337Asn; replaces aspartic acid 1337 with asparagine.
Molecular consequence: missense variant. On other transcripts: non-coding transcript variant (6).
Genome position (GRCh38, 1-based): chr14:95,103,387, C>T on the plus strand (G>A on the coding strand, the complement: DICER1 is on the minus strand). VCF-style: chr14-95103387-C-T. GRCh37 (hg19) VCF-style: chr14-95569724-C-T.
Other names: c.4009G>A, p.Asp1337Asn (NM_001395680.1, NM_001395681.1, NM_001395682.1 and 13 more transcripts); c.3727G>A, p.Asp1243Asn (NM_001395686.1); c.3604G>A, p.Asp1202Asn (NM_001395687.1, NM_001395688.1, NM_001395689.1 and 2 more transcripts); c.3442G>A, p.Asp1148Asn (NM_001395691.1); c.2326G>A, p.Asp776Asn (NM_001395697.1); short protein forms D1337N, D1148N, D776N, D1202N, D1243N.
Identifiers: ClinVar variation 1736987 (VCV001736987.3), dbSNP rs2542684875, ClinGen allele CA390872967.
Genomic context (GRCh38, chr14:95,103,387, plus strand): 5'-TAAAAAAATCATCTCTTACCTTTTTGCTTCTCATATATGAAAGGCGGCCCTCATGCGCAT[C>T]AGGGTAAGTGCAAAATAGATATGTGGTGATGGCATGCTTTAAAAAGGAGTCGCCAAGCAT-3'
Protein context (NP_803187.1, residues 1327-1347): ITTYLFCTYP[Asp1337Asn]AHEGRLSYMR

ClinVar aggregate classification (germline): Uncertain significance. Review status: criteria provided, multiple submitters, no conflicts (2 of 4 stars). 2 submissions from 2 submitters: Uncertain significance (2). Last evaluated 2023-01-24.

Conditions:
Hereditary cancer-predisposing syndrome. Also called: Neoplastic Syndromes, Hereditary; Tumor predisposition; Hereditary Cancer Syndrome; Hereditary neoplastic syndrome. Identifiers: Orphanet 140162, MedGen C0027672, MeSH D009386, MONDO:0015356.

Allele frequency attached by ClinVar (database versions not stated): gnomAD exomes below 0.00001.
gnomAD v4.1: 1 of 1,614,188 alleles (0.000062%); highest among the groups gnomAD compares: Non-Finnish European, 0.000085%; no homozygotes.

Submissions (2):

GeneDx
Classification: Uncertain significance. Last evaluated: 2023-01-24. Review status: criteria provided, single submitter. Criteria: GeneDx Variant Classification Process June 2021. Collection method: clinical testing. Allele origin: germline. Affected: yes.
Comment: Not observed at significant frequency in large population cohorts (gnomAD); In silico analysis supports that this missense variant does not alter protein structure/function; Has not been previously published as pathogenic or benign to our knowledge

Ambry Genetics
Classification: Uncertain significance for Hereditary cancer-predisposing syndrome. Last evaluated: 2021-08-19. Review status: criteria provided, single submitter. Criteria: Ambry Variant Classification Scheme 2023. Collection method: clinical testing. Allele origin: germline.
Comment: The p.D1337N variant (also known as c.4009G>A), located in coding exon 20 of the DICER1 gene, results from a G to A substitution at nucleotide position 4009. The aspartic acid at codon 1337 is replaced by asparagine, an amino acid with highly similar properties. This amino acid position is highly conserved in available vertebrate species. In addition, this alteration is predicted to be tolerated by in silico analysis. Since supporting evidence is limited at this time, the clinical significance of this alteration remains unclear.